The following is an entry in ClinVar:

ClinVar aggregate classification (germline): Uncertain significance (1 of 4 stars; one submission).

Submission:

Labcorp Genetics (formerly Invitae), Labcorp
Classification: Uncertain significance. Last evaluated: 2025-09-23. Review status: criteria provided, single submitter. Criteria: Invitae Variant Classification Sherloc (09022015). Collection method: clinical testing. Allele origin: germline.
Comment: This sequence change replaces glutamine, which is neutral and polar, with glutamic acid, which is acidic and polar, at codon 188 of the RFWD3 protein (p.Gln188Glu). This variant is not present in population databases (gnomAD no frequency). This variant has not been reported in the literature in individuals affected with RFWD3-related conditions. An algorithm developed to predict the effect of missense changes on protein structure and function (PolyPhen-2) suggests that this variant is likely to be tolerated. In summary, the available evidence is currently insufficient to determine the role of this variant in disease. Therefore, it has been classified as a Variant of Uncertain Significance.

NM_018124.4(RFWD3):c.562C>G (p.Gln188Glu)

Gene: RFWD3 (ring finger and WD repeat domain 3; minus strand). Cytogenetic location: 16q23.1.
Variant type: single nucleotide variant.
Coding change: c.562C>G on transcript NM_018124.4 (MANE Select); coding-DNA position 562, C replaced by G.
Protein change: p.Gln188Glu; replaces glutamine 188 with glutamic acid.
Molecular consequence: missense variant. On other transcripts: 5 prime UTR variant (4), intron variant (1).
Genome position (GRCh38, 1-based): chr16:74,652,079, G>C on the plus strand (C>G on the coding strand, the complement: RFWD3 is on the minus strand). VCF-style: chr16-74652079-G-C. GRCh37 (hg19) VCF-style: chr16-74685977-G-C.
Other names: c.562C>G, p.Gln188Glu (NM_001370534.1, NM_001370535.1, NM_001370536.1); c.-447C>G (NM_001370537.1); c.-273C>G (NM_001370540.1); c.-324C>G (NM_001370542.1); c.-202C>G (NM_001370543.1); c.-113-2877C>G (NM_001370539.1); short protein forms Q188E.
Identifiers: ClinVar variation 4726788 (VCV004726788.1).